The following is an entry in ClinVar:

NM_003482.4(KMT2D):c.12900A>C (p.Pro4300=)

Gene: KMT2D (lysine methyltransferase 2D; minus strand). Cytogenetic location: 12q13.12.
Variant type: single nucleotide variant.
Coding change: c.12900A>C on transcript NM_003482.4 (MANE Select); coding-DNA position 12900, A replaced by C.
Protein change: p.Pro4300=; no amino-acid change (proline 4300 retained).
Molecular consequence: synonymous variant.
Genome position (GRCh38, 1-based): chr12:49,031,805, T>G on the plus strand (A>C on the coding strand, the complement: KMT2D is on the minus strand). VCF-style: chr12-49031805-T-G. GRCh37 (hg19) VCF-style: chr12-49425588-T-G.
Identifiers: ClinVar variation 4992533 (VCV004992533.1).

ClinVar aggregate classification (germline): Likely benign (1 of 4 stars; one submission).

Conditions:
KMT2D-related disorder. Also called: KMT2D-Related Disorders.

gnomAD v4.1: 1 of 1,594,032 alleles (0.000063%); highest among the groups gnomAD compares: Non-Finnish European, 0.000086%; no homozygotes.

Submission:

PreventionGenetics, part of Exact Sciences
Classification: Likely benign for KMT2D-related condition. Last evaluated: 2026-08-07. Review status: criteria provided, single submitter. Criteria: ACMG Guidelines, 2015. Collection method: clinical testing. Allele origin: germline.
Comment: This variant is classified as likely benign based on ACMG/AMP sequence variant interpretation guidelines (Richards et al. 2015 PMID: 25741868, with internal and published modifications).